The following is an entry in ClinVar:

NM_000744.7(CHRNA4):c.934T>C (p.Phe312Leu)

Gene: CHRNA4 (cholinergic receptor nicotinic alpha 4 subunit; minus strand). Cytogenetic location: 20q13.33.
Variant type: single nucleotide variant.
Coding change: c.934T>C on transcript NM_000744.7 (MANE Select); coding-DNA position 934, T replaced by C.
Protein change: p.Phe312Leu; replaces phenylalanine 312 with leucine.
Molecular consequence: missense variant. On other transcripts: non-coding transcript variant (1).
Genome position (GRCh38, 1-based): chr20:63,350,477, A>G on the plus strand (T>C on the coding strand, the complement: CHRNA4 is on the minus strand). VCF-style: chr20-63350477-A-G. GRCh37 (hg19) VCF-style: chr20-61981829-A-G.
Other names: c.406T>C, p.Phe136Leu (NM_001256573.2); short protein forms F136L, F312L.
Identifiers: ClinVar variation 1310843 (VCV001310843.3), dbSNP rs2123472007, ClinGen allele CA409636100.
Genomic context (GRCh38, chr20:63,350,477, plus strand): 5'-GGTGCACGTTGAGCACGAAGACCGTGATGACGATGGACAGGGTGACGAAGATCATGGTGA[A>G]CAGCAGGTACTCGCCGATGAGTGGGATGACCAGTGAGGTGGACGGGATGATCTCGGTGAT-3'
Protein context (NP_000735.1, residues 302-322): VIPLIGEYLL[Phe312Leu]TMIFVTLSIV

ClinVar aggregate classification (germline): Uncertain significance (1 of 4 stars; one submission).

Submission:

GeneDx
Classification: Uncertain significance. Last evaluated: 2026-10-22. Review status: criteria provided, single submitter. Criteria: GeneDx Variant Classification Process June 2021. Collection method: clinical testing. Allele origin: germline.
Comment: Not observed in large population cohorts (gnomAD); In silico analysis supports that this missense variant has a deleterious effect on protein structure/function; Has not been previously published as pathogenic or benign to our knowledge